The following is an entry in ClinVar:

ClinVar aggregate classification (germline): Uncertain significance (1 of 4 stars; one submission).

Conditions:
Familial focal epilepsy with variable foci (FPEVF). Identifiers: Orphanet 98820, MedGen C1858477, MONDO:0020310.

gnomAD v4.1: 18 of 1,613,898 alleles (0.0011%); highest among the groups gnomAD compares: Non-Finnish European, 0.0014%; no homozygotes.

Submission:

Labcorp Genetics (formerly Invitae), Labcorp
Classification: Uncertain significance for Familial focal epilepsy with variable foci. Last evaluated: 2025-08-08. Review status: criteria provided, single submitter. Criteria: Invitae Variant Classification Sherloc (09022015). Collection method: clinical testing. Allele origin: germline.
Comment: This sequence change replaces isoleucine, which is neutral and non-polar, with threonine, which is neutral and polar, at codon 1260 of the DEPDC5 protein (p.Ile1260Thr). This variant is present in population databases (no rsID available, gnomAD 0.0009%). This variant has not been reported in the literature in individuals affected with DEPDC5-related conditions. Experimental studies and prediction algorithms are not available or were not evaluated, and the functional significance of this variant is currently unknown. In summary, the available evidence is currently insufficient to determine the role of this variant in disease. Therefore, it has been classified as a Variant of Uncertain Significance.

NM_001242896.3(DEPDC5):c.3779T>C (p.Ile1260Thr)

Gene: DEPDC5 (DEP domain containing 5, GATOR1 subcomplex subunit; plus strand). Cytogenetic location: 22q12.3.
Variant type: single nucleotide variant.
Coding change: c.3779T>C on transcript NM_001242896.3 (MANE Select); coding-DNA position 3779, T replaced by C.
Protein change: p.Ile1260Thr; replaces isoleucine 1260 with threonine.
Molecular consequence: missense variant. On other transcripts: non-coding transcript variant (2).
Genome position (GRCh38, 1-based): chr22:31,876,239, T>C. VCF-style: chr22-31876239-T-C. GRCh37 (hg19) VCF-style: chr22-32272225-T-C.
Other names: c.3752T>C, p.Ile1251Thr (NM_001136029.4); c.3479T>C, p.Ile1160Thr (NM_001242897.2); c.3713T>C, p.Ile1238Thr (NM_001363852.2, NM_001364320.2); c.3545T>C, p.Ile1182Thr (NM_001363854.2, NM_001364319.2); c.3779T>C, p.Ile1260Thr (NM_001364318.2); c.3695T>C, p.Ile1232Thr (NM_001369901.1, NM_001369902.1); c.3686T>C, p.Ile1229Thr (NM_001369903.1, NM_014662.6); short protein forms I1232T, I1182T, I1238T, I1251T, I1260T, I1160T, I1229T.
Identifiers: ClinVar variation 4722949 (VCV004722949.1).
Genomic context (GRCh38, chr22:31,876,239, plus strand): 5'-TCACACATGCATCTGGCGAAGCCTGGCGGACCTTCATCTACGGCTTCTATTTCTACAAGA[T>C]AGTAACGGACAAAGAGCCCGACCGAGGTTAGAGCCGAGGCGAATGCGGTTGCCCACAGGG-3'
Protein context (NP_001229825.1, residues 1250-1270): TFIYGFYFYK[Ile1260Thr]VTDKEPDRVA